The following is an entry in ClinVar:

NM_004963.4(GUCY2C):c.1878G>A (p.Met626Ile)

Gene: GUCY2C (guanylate cyclase 2C; minus strand). Cytogenetic location: 12p12.3.
Variant type: single nucleotide variant.
Coding change: c.1878G>A on transcript NM_004963.4 (MANE Select); coding-DNA position 1878, G replaced by A.
Protein change: p.Met626Ile; replaces methionine 626 with isoleucine.
Molecular consequence: missense variant.
Genome position (GRCh38, 1-based): chr12:14,643,626, C>T on the plus strand (G>A on the coding strand, the complement: GUCY2C is on the minus strand). VCF-style: chr12-14643626-C-T. GRCh37 (hg19) VCF-style: chr12-14796560-C-T.
Other names: short protein forms M626I.
Identifiers: ClinVar variation 1374379 (VCV001374379.6), dbSNP rs2137024140, ClinGen allele CA383985707.
Genomic context (GRCh38, chr12:14,643,626, plus strand): 5'-TTACAGACCCTTTTTTGGAGGTAAAATGGAATTGCAGCCAAAATCAGTGATCTTCACCAC[C>T]ATTCTACTGTCCACTACGCAGTTGGTAGATTTCAGACGACCATGGACTTCTGTCTTACTG-3'
Protein context (NP_004954.2, residues 616-636): KSTNCVVDSR[Met626Ile]VVKITDFGCN

ClinVar aggregate classification (germline): Uncertain significance (1 of 4 stars; one submission).

Submission:

Labcorp Genetics (formerly Invitae), Labcorp
Classification: Uncertain significance. Last evaluated: 2021-08-12. Review status: criteria provided, single submitter. Criteria: Invitae Variant Classification Sherloc (09022015). Collection method: clinical testing. Allele origin: germline.
Comment: This variant has not been reported in the literature in individuals affected with GUCY2C-related conditions. This variant is not present in population databases (ExAC no frequency). This sequence change replaces methionine with isoleucine at codon 626 of the GUCY2C protein (p.Met626Ile). The methionine residue is highly conserved and there is a small physicochemical difference between methionine and isoleucine. Algorithms developed to predict the effect of missense changes on protein structure and function are either unavailable or do not agree on the potential impact of this missense change (SIFT: "Deleterious"; PolyPhen-2: "Possibly Damaging"; Align-GVGD: "Class C0"). In summary, the available evidence is currently insufficient to determine the role of this variant in disease. Therefore, it has been classified as a Variant of Uncertain Significance.